The following is an entry in ClinVar:

ClinVar aggregate classification (germline): Uncertain significance (1 of 4 stars; one submission).

Submission:

CeGaT Center for Human Genetics Tuebingen
Classification: Uncertain significance. Last evaluated: 2023-09-01. Review status: criteria provided, single submitter. Criteria: CeGaT Center For Human Genetics Tuebingen Variant Classification Criteria Version 2. Collection method: clinical testing. Allele origin: germline. Affected: yes. Observed: 1 variant allele.
Comment: LTBP1: PM2, PM4

NM_206943.4(LTBP1):c.395_397dup (p.Thr132_Lys133insThr)

Genes: LTBP1 (latent transforming growth factor beta binding protein 1; plus strand), LOC129933462 (ATAC-STARR-seq lymphoblastoid silent region 11346; plus strand). Cytogenetic location: 2p22.3.
Variant type: Duplication.
Coding change: c.395_397dup on transcript NM_206943.4 (MANE Select); coding-DNA positions 395 to 397, 3 bases duplicated (CCA; older notation c.395_397dupCCA).
Protein change: p.Thr132_Lys133insThr.
Molecular consequence: inframe insertion.
Genome position (GRCh38, 1-based): chr2:32,947,719-32,947,721, CCA duplicated; duplicating any 3 consecutive bases within chr2:32,947,717-32,947,721 gives the same sequence; the c. name uses the placement nearest the transcript's 3' end. VCF-style (leftmost placement, unchanged base first): chr2-32947716-T-TCAC. GRCh37 (hg19) VCF-style: chr2-33172783-T-TCAC.
Other names: c.395_397dup, p.Thr132_Lys133insThr (NM_001394905.1).
Identifiers: ClinVar variation 2582977 (VCV002582977.25), dbSNP rs771607210, ClinGen allele CA1606720.